The following is an entry in ClinVar:

NM_005259.3(MSTN):c.*40G>T

Genes: C2orf88 (chromosome 2 open reading frame 88; plus strand), MSTN (myostatin; minus strand). Cytogenetic location: 2q32.2.
Variant type: single nucleotide variant.
Coding change: c.*40G>T on transcript NM_005259.3 (MANE Select); 40 bases downstream of the stop codon, G replaced by T.
Molecular consequence: 3 prime UTR variant.
Genome position (GRCh38, 1-based): chr2:190,057,218, C>A on the plus strand (G>T on the coding strand, the complement: MSTN is on the minus strand). VCF-style: chr2-190057218-C-A. GRCh37 (hg19) VCF-style: chr2-190921944-C-A.
Identifiers: ClinVar variation 897309 (VCV000897309.4), dbSNP rs141652279, ClinGen allele CA2026995.

ClinVar aggregate classification (germline): Benign (1 of 4 stars; one submission).

Conditions:
Myostatin-related muscle hypertrophy (MSLHP). Also called: MUSCLE HYPERTROPHY. Identifiers: Orphanet 275534, MedGen C2931112, MONDO:0013598, OMIM 614160.

Allele frequency attached by ClinVar (database versions not stated): TOPMed 0.00013; ExAC 0.00016; 1000 Genomes Project 30x 0.00031; 1000 Genomes Project 0.00040.
gnomAD v4.1: 180 of 1,610,736 alleles (0.011%); highest among the groups gnomAD compares: Middle Eastern, 0.26%; no homozygotes.

Submission:

Illumina Laboratory Services, Illumina
Classification: Benign for Myostatin-related muscle hypertrophy. Last evaluated: 2018-01-13. Review status: criteria provided, single submitter. Criteria: ICSL Variant Classification Criteria 13 December 2019. Collection method: clinical testing. Allele origin: germline.
Comment: This variant was observed in the ICSL laboratory as part of a predisposition screen in an ostensibly healthy population. It had not been previously curated by ICSL or reported in the Human Gene Mutation Database (HGMD: prior to June 1st, 2018), and was therefore a candidate for classification through an automated scoring system. Utilizing variant allele frequency, disease prevalence and penetrance estimates, and inheritance mode, an automated score was calculated to assess if this variant is too frequent to cause the disease. Based on the score and internal cut-off values, a variant classified as benign is not then subjected to further curation. The score for this variant resulted in a classification of benign for this disease.